The following is an entry in ClinVar:

NM_001042492.3(NF1):c.6906del (p.Gln2302fs)

Gene: NF1 (neurofibromin 1; plus strand). Cytogenetic location: 17q11.2.
Variant type: Deletion.
Coding change: c.6906del on transcript NM_001042492.3 (MANE Select); coding-DNA position 6906, one base deleted (G; older notation c.6906delG).
Protein change: p.Gln2302fs; shifts the reading frame from glutamine 2302.
Molecular consequence: frameshift variant.
Genome position (GRCh38, 1-based): chr17:31,338,790, G deleted. VCF-style (leftmost placement, unchanged base first): chr17-31338789-AG-A. GRCh37 (hg19) VCF-style: chr17-29665807-AG-A.
Other names: c.6843delG (NM_000267.3); c.6843delG, p.Gln2281Hisfs (NM_000267.4); short protein forms Q2281fs, Q2302fs.
Identifiers: ClinVar variation 826662 (VCV000826662.4), dbSNP rs1597846091, ClinGen allele CA499234374.

ClinVar aggregate classification (germline): Pathogenic (1 of 4 stars; one submission).

Conditions:
Hereditary cancer-predisposing syndrome. Also called: Neoplastic Syndromes, Hereditary; Tumor predisposition; Hereditary neoplastic syndrome; Hereditary Cancer Syndrome. Identifiers: Orphanet 140162, MedGen C0027672, MeSH D009386, MONDO:0015356.
Cardiovascular phenotype. Identifiers: MedGen CN230736.

Submission:

Ambry Genetics
Classification: Pathogenic for Cardiovascular phenotype; Hereditary cancer-predisposing syndrome. Last evaluated: 2019-08-13. Review status: criteria provided, single submitter. Criteria: Ambry Variant Classification Scheme 2023. Collection method: clinical testing. Allele origin: germline.
Comment: The c.6843delG pathogenic mutation, located in coding exon 45 of the NF1 gene, results from a deletion of one nucleotide at nucleotide position 6843, causing a translational frameshift with a predicted alternate stop codon (p.Q2281Hfs*17). This alteration is expected to result in loss of function by premature protein truncation or nonsense-mediated mRNA decay. As such, this alteration is interpreted as a disease-causing mutation.